The following is an entry in ClinVar:

NM_000478.6(ALPL):c.935TGG[3] (p.Val315del)

Gene: ALPL (alkaline phosphatase, biomineralization associated; plus strand). Cytogenetic location: 1p36.12.
Variant type: Microsatellite.
Coding change: c.935TGG[3] on transcript NM_000478.6 (MANE Select); three copies in a row of the 3-base unit TGG starting at c.935; the reference has four copies in a row; one copy, 3 bases deleted; also written c.944_946del.
Protein change: p.Val315del; deletes valine 315.
Molecular consequence: inframe deletion.
Genome position (GRCh38, 1-based): chr1:21,573,746-21,573,748, TGG deleted; deleting any 3 consecutive bases within chr1:21,573,737-21,573,748 gives the same sequence; the position shown is the placement nearest the transcript's 3' end. VCF-style (leftmost placement, unchanged base first): chr1-21573736-ATGG-A. GRCh37 (hg19) VCF-style: chr1-21900229-ATGG-A.
Other names: c.944_946del (NM_000478.6); c.944_946delTGG (NM_000478.6); c.770TGG[3], p.Val260del (NM_001127501.4); c.704TGG[3], p.Val238del (NM_001177520.3); c.935TGG[3], p.Val315del (NM_001369803.2, NM_001369804.2, NM_001369805.2); short protein forms V238del, V260del, V315del.
Identifiers: ClinVar variation 918153 (VCV000918153.5), dbSNP rs756329108, ClinGen allele CA19068172.

ClinVar aggregate classification (germline): Uncertain significance. Review status: criteria provided, multiple submitters, no conflicts (2 of 4 stars). 4 submissions from 4 submitters: Uncertain significance (3). 1 of the submissions does not count toward it. Last evaluated 2025-12-29.

Conditions:
Adult hypophosphatasia. Identifiers: Orphanet 247676, Orphanet 436, MedGen C0268413, MONDO:1010154, OMIM 146300, MONDO:0007798.
Childhood hypophosphatasia. Identifiers: Orphanet 247667, Orphanet 436, MedGen C0220743, MONDO:1010168, OMIM 241510, MONDO:0009428.
Infantile hypophosphatasia. Identifiers: Orphanet 247651, Orphanet 436, MedGen C0268412, MONDO:1010169, OMIM 241500, MONDO:0009427.
Hypophosphatasia. Also called: Phosphoethanol-aminuria. Identifiers: Orphanet 436, MedGen C0020630, MeSH D007014, MONDO:0018570.

Submissions (4):

Center for Genomic Medicine, Rigshospitalet, Copenhagen University Hospital
Classification: Uncertain significance. Last evaluated: 2025-12-29. Review status: criteria provided, single submitter. Criteria: ACMG Guidelines, 2015. Collection method: clinical testing. Allele origin: germline.

Fulgent Genetics
Classification: Uncertain significance for Adult hypophosphatasia; Infantile hypophosphatasia; Childhood hypophosphatasia. Last evaluated: 2021-11-04. Review status: criteria provided, single submitter. Criteria: ACMG Guidelines, 2015. Collection method: clinical testing. Allele origin: unknown.

Women's Health and Genetics/Laboratory Corporation of America, LabCorp
Classification: Uncertain significance. Last evaluated: 2021-06-28. Review status: criteria provided, single submitter. Criteria: LabCorp Variant Classification Summary - May 2015. Collection method: clinical testing. Allele origin: germline.
Comment: Variant summary: ALPL c.944_946delTGG (p.Val315del) results in an in-frame deletion that is predicted to remove one amino acid from the encoded protein. The variant was absent in 251178 control chromosomes. The available data on variant occurrences in the general population are insufficient to allow any conclusion about variant significance. To our knowledge, no occurrence of c.944_946delTGG in individuals affected with Hypophosphatasia and no experimental evidence demonstrating its impact on protein function have been reported. No clinical diagnostic laboratories have submitted clinical-significance assessments for this variant to ClinVar after 2014. Based on the evidence outlined above, the variant was classified as uncertain significance.

Natera, Inc.
Classification: Uncertain significance for Hypophosphatasia. Last evaluated: 2020-11-06. Review status: no assertion criteria provided. Collection method: clinical testing. Allele origin: germline. Not counted in ClinVar's aggregate classification.

Literature cited by the submitters: PubMed 37898381 (cited by Center for Genomic Medicine, Rigshospitalet, Copenhagen University Hospital).